The following is an entry in ClinVar:

ClinVar aggregate classification (germline): Pathogenic (1 of 4 stars; one submission).

Submission:

Centre of Medical Genetics, University Hospital Muenster
Classification: Pathogenic. Last evaluated: 2023-05-02. Review status: criteria provided, single submitter. Criteria: ACMG Guidelines, 2015. Collection method: clinical testing. Allele origin: unknown. Affected: yes. Observed: 1 variant allele, 1 heterozygote.
Comment: ACMG categories: PVS1,PM1,PM2

NM_001009944.3(PKD1):c.3738_3763dup (p.Gly1255fs)

Gene: PKD1 (polycystin 1, transient receptor potential channel interacting; minus strand). Cytogenetic location: 16p13.3.
Variant type: Duplication.
Coding change: c.3738_3763dup on transcript NM_001009944.3 (MANE Select); coding-DNA positions 3738 to 3763, 26 bases duplicated (CATGGGGGACGGCACCGTGCTGTCGG).
Protein change: p.Gly1255fs; shifts the reading frame from glycine 1255.
Molecular consequence: frameshift variant.
Genome position (GRCh38, 1-based): chr16:2,111,404-2,111,429, CCGACAGCACGGTGCCGTCCCCCATG duplicated on the plus strand (CATGGGGGACGGCACCGTGCTGTCGG on the coding strand, the reverse complement: PKD1 is on the minus strand). VCF-style (leftmost placement, unchanged base first): chr16-2111403-C-CCCGACAGCACGGTGCCGTCCCCCATG. GRCh37 (hg19) VCF-style: chr16-2161404-C-CCCGACAGCACGGTGCCGTCCCCCATG.
Other names: c.3738_3763dup, p.Gly1255fs (NM_000296.4); short protein forms G1255fs.
Identifiers: ClinVar variation 3383402 (VCV003383402.2).